The following is an entry in ClinVar:

NM_015164.4(PLEKHM2):c.301C>A (p.Leu101Ile)

Gene: PLEKHM2 (pleckstrin homology and RUN domain containing M2; plus strand). Cytogenetic location: 1p36.21.
Variant type: single nucleotide variant.
Coding change: c.301C>A on transcript NM_015164.4 (MANE Select); coding-DNA position 301, C replaced by A.
Protein change: p.Leu101Ile; replaces leucine 101 with isoleucine.
Molecular consequence: missense variant.
Genome position (GRCh38, 1-based): chr1:15,717,916, C>A. VCF-style: chr1-15717916-C-A. GRCh37 (hg19) VCF-style: chr1-16044411-C-A.
Other names: c.301C>A, p.Leu101Ile (NM_001410755.1); short protein forms L101I.
Identifiers: ClinVar variation 2165597 (VCV002165597.4), dbSNP rs1431431682, ClinGen allele CA338579174.

ClinVar aggregate classification (germline): Uncertain significance (1 of 4 stars; one submission).

Allele frequency attached by ClinVar (database versions not stated): gnomAD exomes below 0.00001; gnomAD 0.00001; TOPMed 0.00002.
gnomAD v4.1: 4 of 1,597,964 alleles (0.00025%); highest among the groups gnomAD compares: Non-Finnish European, 0.00034%; no homozygotes.

Submission:

Labcorp Genetics (formerly Invitae), Labcorp
Classification: Uncertain significance. Last evaluated: 2025-06-16. Review status: criteria provided, single submitter. Criteria: Invitae Variant Classification Sherloc (09022015). Collection method: clinical testing. Allele origin: germline.
Comment: This sequence change replaces leucine, which is neutral and non-polar, with isoleucine, which is neutral and non-polar, at codon 101 of the PLEKHM2 protein (p.Leu101Ile). This variant is not present in population databases (gnomAD no frequency). This variant has not been reported in the literature in individuals affected with PLEKHM2-related conditions. ClinVar contains an entry for this variant (Variation ID: 2165597). An algorithm developed to predict the effect of missense changes on protein structure and function (PolyPhen-2) suggests that this variant is likely to be disruptive. In summary, the available evidence is currently insufficient to determine the role of this variant in disease. Therefore, it has been classified as a Variant of Uncertain Significance.